The following is an entry in ClinVar:

ClinVar aggregate classification (germline): Uncertain significance (1 of 4 stars; one submission).

Conditions:
Hereditary cancer-predisposing syndrome. Also called: Neoplastic Syndromes, Hereditary; Tumor predisposition; Hereditary Cancer Syndrome; Hereditary neoplastic syndrome. Identifiers: Orphanet 140162, MedGen C0027672, MeSH D009386, MONDO:0015356.

Submission:

Ambry Genetics
Classification: Uncertain significance for Hereditary cancer-predisposing syndrome. Last evaluated: 2022-09-27. Review status: criteria provided, single submitter. Criteria: Ambry Variant Classification Scheme 2023. Collection method: clinical testing. Allele origin: germline.
Comment: The p.G1109V variant (also known as c.3326G>T), located in coding exon 15 of the APC gene, results from a G to T substitution at nucleotide position 3326. The glycine at codon 1109 is replaced by valine, an amino acid with dissimilar properties. This amino acid position is conserved. In addition, in silico predictors for this gene do not accurately predict pathogenicity. Since supporting evidence is limited at this time, the clinical significance of this alteration remains unclear.

NM_000038.6(APC):c.3326G>T (p.Gly1109Val)

Gene: APC (APC regulator of Wnt signaling pathway; plus strand). Cytogenetic location: 5q22.2.
Variant type: single nucleotide variant.
Coding change: c.3326G>T on transcript NM_000038.6 (MANE Select); coding-DNA position 3326, G replaced by T.
Protein change: p.Gly1109Val; replaces glycine 1109 with valine.
Molecular consequence: missense variant.
Genome position (GRCh38, 1-based): chr5:112,838,920, G>T. VCF-style: chr5-112838920-G-T. GRCh37 (hg19) VCF-style: chr5-112174617-G-T.
Other names: c.3272G>T, p.Gly1091Val (NM_001127511.3); c.3251G>T, p.Gly1084Val (NM_001354898.2); c.3326G>T, p.Gly1109Val (NM_001127510.3, NM_001354895.2, NM_001407450.1); c.3380G>T, p.Gly1127Val (NM_001354896.2, NM_001407447.1, NM_001407448.1 and 1 more transcripts); c.3356G>T, p.Gly1119Val (NM_001354897.2); c.3242G>T, p.Gly1081Val (NM_001354899.2); c.3203G>T, p.Gly1068Val (NM_001354900.2); c.3149G>T, p.Gly1050Val (NM_001354901.2, NM_001407453.1); and 11 more; short protein forms G1026V, G1050V, G1081V, G1102V, G1119V, G826V, G1018V, G1091V.
Identifiers: ClinVar variation 1730254 (VCV001730254.2), dbSNP rs530923279, ClinGen allele CA16028628.